The following is an entry in ClinVar:

ClinVar aggregate classification (germline): Uncertain significance (1 of 4 stars; one submission).

Conditions:
Nephronophthisis. Also called: Juvenile Nephronophthisis. Identifiers: Orphanet 655, MedGen C0687120, MONDO:0019005, HP:0000090.

Allele frequency attached by ClinVar (database versions not stated): gnomAD exomes 0.00002; ExAC 0.00003; gnomAD 0.00001.
gnomAD v4.1: 28 of 1,608,632 alleles (0.0017%); highest among the groups gnomAD compares: Non-Finnish European, 0.0024%; no homozygotes.

Submission:

Labcorp Genetics (formerly Invitae), Labcorp
Classification: Uncertain significance for Nephronophthisis. Last evaluated: 2022-07-15. Review status: criteria provided, single submitter. Criteria: Invitae Variant Classification Sherloc (09022015). Collection method: clinical testing. Allele origin: germline.
Comment: This sequence change replaces serine, which is neutral and polar, with glycine, which is neutral and non-polar, at codon 1200 of the NPHP4 protein (p.Ser1200Gly). This variant is present in population databases (rs776015929, gnomAD 0.002%). This variant has not been reported in the literature in individuals affected with NPHP4-related conditions. Algorithms developed to predict the effect of missense changes on protein structure and function output the following: SIFT: "Tolerated"; PolyPhen-2: "Benign"; Align-GVGD: "Class C0". The glycine amino acid residue is found in multiple mammalian species, which suggests that this missense change does not adversely affect protein function. In summary, the available evidence is currently insufficient to determine the role of this variant in disease. Therefore, it has been classified as a Variant of Uncertain Significance.

NM_015102.5(NPHP4):c.3598A>G (p.Ser1200Gly)

Gene: NPHP4 (nephrocystin 4; minus strand). Cytogenetic location: 1p36.31.
Variant type: single nucleotide variant.
Coding change: c.3598A>G on transcript NM_015102.5 (MANE Select); coding-DNA position 3598, A replaced by G.
Protein change: p.Ser1200Gly; replaces serine 1200 with glycine.
Molecular consequence: missense variant. On other transcripts: non-coding transcript variant (1).
Genome position (GRCh38, 1-based): chr1:5,866,419, T>C on the plus strand (A>G on the coding strand, the complement: NPHP4 is on the minus strand). VCF-style: chr1-5866419-T-C. GRCh37 (hg19) VCF-style: chr1-5926479-T-C.
Other names: c.2059A>G, p.Ser687Gly (NM_001291593.2); c.2062A>G, p.Ser688Gly (NM_001291594.2); short protein forms S1200G, S687G, S688G.
Identifiers: ClinVar variation 2071644 (VCV002071644.4), dbSNP rs776015929, ClinGen allele CA553538.
Genomic context (GRCh38, chr1:5,866,419, plus strand): 5'-GCCTGTGCACTTACGAGTAAATGATGACAAAGAAGTCTTTGATCTCCGGGCTTGGACCAC[T>C]GGCCACCTTCAGAAATATGTCCCGTGGTTCCCCGGGGCCCTGCCAACCAGATGTGCAGCA-3'
Protein context (NP_055917.1, residues 1190-1210): EPRDIFLKVA[Ser1200Gly]GPSPEIKDFF